The following is an entry in ClinVar:

ClinVar aggregate classification (germline): Pathogenic. Review status: criteria provided, multiple submitters, no conflicts (2 of 4 stars). 6 submissions from 6 submitters: Pathogenic (5). 1 of the submissions does not count toward it. Last evaluated 2024-09-04.

Conditions:
FLCN-related disorder. Also called: FLCN-related condition.
FLCN-related disorders.
Hereditary cancer-predisposing syndrome. Also called: Neoplastic Syndromes, Hereditary; Hereditary Cancer Syndrome; Tumor predisposition; Hereditary neoplastic syndrome. Identifiers: Orphanet 140162, MedGen C0027672, MeSH D009386, MONDO:0015356.
Birt-Hogg-Dube syndrome. Also called: Birt Hogg Dubé syndrome. Identifiers: Orphanet 122, MedGen C0346010, MONDO:0800444.

Submissions (6):

Ambry Genetics
Classification: Pathogenic for Hereditary cancer-predisposing syndrome. Last evaluated: 2024-09-04. Review status: criteria provided, single submitter. Criteria: Ambry Variant Classification Scheme 2023. Collection method: clinical testing. Allele origin: germline.
Comment: The c.59delT pathogenic mutation, located in coding exon 1 of the FLCN gene, results from a deletion of one nucleotide at nucleotide position 59, causing a translational frameshift with a predicted alternate stop codon (p.F20Sfs*35). This mutation (also reported as c.513delT) has been reported families with Birt-Hogg-Dub&eacute; syndrome (Schmidt LS, Am. J. Hum. Genet. 2005 Jun; 76(6):1023-33; Skolnik K et al. Respir Res, 2016 Feb;17:22). This variant is considered to be rare based on population cohorts in the Genome Aggregation Database (gnomAD). In addition to the clinical data presented in the literature, this alteration is expected to result in loss of function by premature protein truncation or nonsense-mediated mRNA decay. As such, this alteration is interpreted as a disease-causing mutation.

Labcorp Genetics (formerly Invitae), Labcorp
Classification: Pathogenic for Birt-Hogg-Dube syndrome. Last evaluated: 2023-12-13. Review status: criteria provided, single submitter. Criteria: Invitae Variant Classification Sherloc (09022015). Collection method: clinical testing. Allele origin: germline.
Comment: This sequence change creates a premature translational stop signal (p.Phe20Serfs*35) in the FLCN gene. It is expected to result in an absent or disrupted protein product. Loss-of-function variants in FLCN are known to be pathogenic (PMID: 15852235). This variant is not present in population databases (gnomAD no frequency). This premature translational stop signal has been observed in individual(s) with Birt-Hogg-Dubé syndrome (PMID: 26928018). ClinVar contains an entry for this variant (Variation ID: 230104). For these reasons, this variant has been classified as Pathogenic.

Blueprint Genetics
Classification: Pathogenic for FLCN-related disorders. Last evaluated: 2022-12-27. Review status: criteria provided, single submitter. Criteria: ACMG Guidelines, 2015. Collection method: clinical testing. Allele origin: germline. Affected: yes. Observed: 2 variant alleles.

GeneDx
Classification: Pathogenic. Last evaluated: 2021-11-19. Review status: criteria provided, single submitter. Criteria: GeneDx Variant Classification Process June 2021. Collection method: clinical testing. Allele origin: germline. Affected: yes.
Comment: Frameshift variant predicted to result in protein truncation or nonsense mediated decay in a gene for which loss-of-function is a known mechanism of disease; Not observed at a significant frequency in large population cohorts (Lek 2016); Also known as c.513delT or c.514delT; This variant is associated with the following publications: (PMID: 21937013, 18234728, 15852235, 19802896, 26928018, 21398229, 22864127, 27780965, 29357828)

Genomic Diagnostic Laboratory, Division of Genomic Diagnostics, Children's Hospital of Philadelphia
Classification: Pathogenic for Birt-Hogg-Dube Syndrome. Last evaluated: 2016-07-18. Review status: criteria provided, single submitter. Criteria: DGD Variant Analysis Guidelines. Collection method: clinical testing. Allele origin: germline. Affected: yes. Observed: 3 variant alleles.
Comment: Clinical Testing

PreventionGenetics, part of Exact Sciences
Classification: Pathogenic for FLCN-related condition. Last evaluated: 2024-05-24. Review status: no assertion criteria provided. Collection method: clinical testing. Allele origin: germline. Not counted in ClinVar's aggregate classification.
Comment: The FLCN c.59delT variant is predicted to result in a frameshift and premature protein termination (p.Phe20Serfs*35). This variant has previously been reported to be causative for Birt-Hogg-Dube Syndrome (Reported as c.513delT, Schmidt et al. 2005. PubMed ID: 15852235; Pierce et al. 2011. PubMed ID: 21398229). This variant is not reported in a large population database and is interpreted as pathogenic in ClinVar. Frameshift variants in FLCN are expected to be pathogenic. This variant is interpreted as pathogenic.

Literature cited by the submitters: PubMed 15852235 (cited by Ambry Genetics and Labcorp Genetics (formerly Invitae), Labcorp); PubMed 26928018 (cited by Ambry Genetics and Labcorp Genetics (formerly Invitae), Labcorp).

NM_144997.7(FLCN):c.59del (p.Phe20fs)

Gene: FLCN (folliculin; minus strand). Cytogenetic location: 17p11.2.
Variant type: Deletion.
Coding change: c.59del on transcript NM_144997.7 (MANE Select); coding-DNA position 59, one base deleted (T; older notation c.59delT).
Protein change: p.Phe20fs; shifts the reading frame from phenylalanine 20.
Molecular consequence: frameshift variant.
Genome position (GRCh38, 1-based): chr17:17,228,079, A deleted on the plus strand (T on the coding strand, the reverse complement: FLCN is on the minus strand); the first of 2 consecutive A bases (chr17:17,228,079-17,228,080); deleting either gives the same sequence. VCF-style (leftmost placement, unchanged base first): chr17-17228078-GA-G. GRCh37 (hg19) VCF-style: chr17-17131392-GA-G.
Other names: c.59delT (NM_144997.5); c.59del (LRG_325t1); c.59del, p.Phe20fs (NM_001353229.2, NM_001353230.2, NM_001353231.2 and 1 more transcripts); short protein forms F20fs.
Identifiers: ClinVar variation 230104 (VCV000230104.16), dbSNP rs876658390, ClinGen allele CA10580178.
Genomic context (GRCh38, chr17:17,228,078, plus strand): 5'-GCCAGGACTGTCCTCATTCCCATCCCCTTGAGGAAGTGGGGCGTGCAGCACCTCCGTGCA[GA>G]AGAGAGTGCGGGGGCCGTGGAGCTCGCAGAAGTGGCAGAGAGCCACGATGGCATTCATGG-3'